The following is an entry in ClinVar:

ClinVar aggregate classification (germline): Uncertain significance (1 of 4 stars; one submission).

Conditions:
Hypertrophic cardiomyopathy 19. Also called: Familial hypertrophic cardiomyopathy 19. Identifiers: MedGen CN077603, MONDO:0013476.

Submission:

Labcorp Genetics (formerly Invitae), Labcorp
Classification: Uncertain significance for Hypertrophic cardiomyopathy 19. Last evaluated: 2025-08-09. Review status: criteria provided, single submitter. Criteria: Invitae Variant Classification Sherloc (09022015). Collection method: clinical testing. Allele origin: germline.
Comment: This sequence change replaces aspartic acid, which is acidic and polar, with asparagine, which is neutral and polar, at codon 248 of the CALR3 protein (p.Asp248Asn). This variant is present in population databases (rs766372296, gnomAD 0.007%). This variant has not been reported in the literature in individuals affected with CALR3-related conditions. Invitae Evidence Modeling of protein sequence and biophysical properties (such as structural, functional, and spatial information, amino acid conservation, physicochemical variation, residue mobility, and thermodynamic stability) indicates that this missense variant is not expected to disrupt CALR3 protein function with a negative predictive value of 80%. In summary, the available evidence is currently insufficient to determine the role of this variant in disease. Therefore, it has been classified as a Variant of Uncertain Significance.

NM_145046.5(CALR3):c.742G>A (p.Asp248Asn)

Gene: CALR3 (calreticulin 3; minus strand). Cytogenetic location: 19p13.11.
Variant type: single nucleotide variant.
Coding change: c.742G>A on transcript NM_145046.5 (MANE Select); coding-DNA position 742, G replaced by A.
Protein change: p.Asp248Asn; replaces aspartic acid 248 with asparagine.
Molecular consequence: missense variant.
Genome position (GRCh38, 1-based): chr19:16,482,722, C>T on the plus strand (G>A on the coding strand, the complement: CALR3 is on the minus strand). VCF-style: chr19-16482722-C-T. GRCh37 (hg19) VCF-style: chr19-16593533-C-T.
Other names: short protein forms D248N.
Identifiers: ClinVar variation 4742651 (VCV004742651.1).